The following is an entry in ClinVar:

NM_005219.5(DIAPH1):c.3054G>A (p.Thr1018=)

Gene: DIAPH1 (diaphanous related formin 1; minus strand). Cytogenetic location: 5q31.3.
Variant type: single nucleotide variant.
Coding change: c.3054G>A on transcript NM_005219.5 (MANE Select); coding-DNA position 3054, G replaced by A.
Protein change: p.Thr1018=; no amino-acid change (threonine 1018 retained).
Molecular consequence: synonymous variant.
Genome position (GRCh38, 1-based): chr5:141,528,547, C>T on the plus strand (G>A on the coding strand, the complement: DIAPH1 is on the minus strand). VCF-style: chr5-141528547-C-T. GRCh37 (hg19) VCF-style: chr5-140908114-C-T.
Other names: c.3027G>A, p.Thr1009= (NM_001079812.3); c.3054G>A, p.Thr1018= (NM_001314007.2).
Identifiers: ClinVar variation 163068 (VCV000163068.16), dbSNP rs727502960, ClinGen allele CA175657.

ClinVar aggregate classification (germline): Likely benign. Review status: criteria provided, multiple submitters, no conflicts (2 of 4 stars). 3 submissions from 3 submitters: Likely benign (2). 1 of the submissions does not count toward it. Last evaluated 2025-09-02.

Conditions:
DIAPH1-related disorder. Also called: DIAPH1-related condition.
Autosomal dominant nonsyndromic hearing loss 1. Also called: DEAFNESS, AUTOSOMAL DOMINANT 1, WITH OR WITHOUT THROMBOCYTOPENIA; KONIGSMARK SYNDROME. Identifiers: Orphanet 90635, MedGen C1852282, MONDO:0007424, OMIM 124900.
Progressive microcephaly-seizures-cortical blindness-developmental delay syndrome. Also called: Seizures, cortical blindness, and microcephaly syndrome. Identifiers: Orphanet 477814, MedGen C5567650, MONDO:0014714, OMIM 616632.

Allele frequency attached by ClinVar (database versions not stated): ExAC 0.00002; gnomAD exomes 0.00002; TOPMed 0.00002; gnomAD 0.00005.
gnomAD v4.1: 17 of 1,614,066 alleles (0.0011%); highest among the groups gnomAD compares: Admixed American, 0.0083%; no homozygotes.

Submissions (3):

Labcorp Genetics (formerly Invitae), Labcorp
Classification: Likely benign for Progressive microcephaly-seizures-cortical blindness-developmental delay syndrome; Autosomal dominant nonsyndromic hearing loss 1. Last evaluated: 2025-09-02. Review status: criteria provided, single submitter. Criteria: Invitae Variant Classification Sherloc (09022015). Collection method: clinical testing. Allele origin: germline.

Laboratory for Molecular Medicine, Mass General Brigham Personalized Medicine
Classification: Likely benign. Last evaluated: 2014-04-04. Review status: criteria provided, single submitter. Criteria: LMM Criteria. Collection method: clinical testing. Allele origin: germline. Observed: 1 variant allele.
Comment: Thr1018Thr in exon 23 of DIAPH1: This variant is not expected to have clinical s ignificance because it does not alter an amino acid residue and is not located w ithin the splice consensus sequence.

PreventionGenetics, part of Exact Sciences
Classification: Likely benign for DIAPH1-related condition. Last evaluated: 2024-09-03. Review status: no assertion criteria provided. Collection method: clinical testing. Allele origin: germline. Not counted in ClinVar's aggregate classification.
Comment: This variant is classified as likely benign based on ACMG/AMP sequence variant interpretation guidelines (Richards et al. 2015 PMID: 25741868, with internal and published modifications).